The following is an entry in ClinVar:

NM_006642.5(SDCCAG8):c.1027G>A (p.Val343Ile)

Gene: SDCCAG8 (SHH signaling and ciliogenesis regulator SDCCAG8; plus strand). Cytogenetic location: 1q43.
Variant type: single nucleotide variant.
Coding change: c.1027G>A on transcript NM_006642.5 (MANE Select); coding-DNA position 1027, G replaced by A.
Protein change: p.Val343Ile; replaces valine 343 with isoleucine.
Molecular consequence: missense variant.
Genome position (GRCh38, 1-based): chr1:243,316,852, G>A. VCF-style: chr1-243316852-G-A. GRCh37 (hg19) VCF-style: chr1-243480154-G-A.
Other names: c.124G>A, p.Val42Ile (NM_001350246.2, NM_001350247.2, NM_001350251.2); c.1123G>A, p.Val375Ile (NM_001350248.2); c.733G>A, p.Val245Ile (NM_001350249.2); short protein forms V245I, V375I, V42I, V343I.
Identifiers: ClinVar variation 1047685 (VCV001047685.6), dbSNP rs760942783, ClinGen allele CA1483518.

ClinVar aggregate classification (germline): Uncertain significance (1 of 4 stars; one submission).

Conditions:
Senior-Loken syndrome 7 (SLSN7). Identifiers: Orphanet 3156, MedGen C3150877, MONDO:0013326, OMIM 613615.
Bardet-Biedl syndrome 16 (BBS16). Identifiers: Orphanet 110, MedGen C3889474, MONDO:0014444, OMIM 615993.

Allele frequency attached by ClinVar (database versions not stated): gnomAD below 0.00001 and 0.00003; TOPMed below 0.00001; ExAC 0.00001; gnomAD exomes 0.00001.
gnomAD v4.1: 16 of 1,614,186 alleles (0.00099%); highest among the groups gnomAD compares: South Asian, 0.016%; no homozygotes.

Submission:

Labcorp Genetics (formerly Invitae), Labcorp
Classification: Uncertain significance for Bardet-Biedl syndrome 16; Senior-Loken syndrome 7. Last evaluated: 2022-09-07. Review status: criteria provided, single submitter. Criteria: Invitae Variant Classification Sherloc (09022015). Collection method: clinical testing. Allele origin: germline.
Comment: In summary, the available evidence is currently insufficient to determine the role of this variant in disease. Therefore, it has been classified as a Variant of Uncertain Significance. Algorithms developed to predict the effect of missense changes on protein structure and function (SIFT, PolyPhen-2, Align-GVGD) all suggest that this variant is likely to be tolerated. ClinVar contains an entry for this variant (Variation ID: 1047685). This variant has not been reported in the literature in individuals affected with SDCCAG8-related conditions. This variant is present in population databases (rs760942783, gnomAD 0.006%). This sequence change replaces valine, which is neutral and non-polar, with isoleucine, which is neutral and non-polar, at codon 343 of the SDCCAG8 protein (p.Val343Ile).